The following is an entry in ClinVar:

ClinVar aggregate classification (germline): Uncertain significance. Review status: criteria provided, multiple submitters, no conflicts (2 of 4 stars). 2 submissions from 2 submitters: Uncertain significance (2). Last evaluated 2025-10-21.

Conditions:
Cardiovascular phenotype. Identifiers: MedGen CN230736.
Brugada syndrome 8 (BRGDA8). Identifiers: Orphanet 130, MedGen C2751083, MONDO:0013148, OMIM 613123.

Allele frequency attached by ClinVar (database versions not stated): gnomAD 0.00002 and 0.00001; TOPMed 0.00002; gnomAD exomes 0.00001 and 0.00004; ExAC 0.00009.
gnomAD v4.1: 16 of 1,592,124 alleles (0.001%); highest among the groups gnomAD compares: Admixed American, 0.0088%; no homozygotes.

Submissions (2):

Labcorp Genetics (formerly Invitae), Labcorp
Classification: Uncertain significance for Brugada syndrome 8. Last evaluated: 2025-10-21. Review status: criteria provided, single submitter. Criteria: Invitae Variant Classification Sherloc (09022015). Collection method: clinical testing. Allele origin: germline.
Comment: This sequence change replaces asparagine, which is neutral and polar, with serine, which is neutral and polar, at codon 1202 of the HCN4 protein (p.Asn1202Ser). This variant is present in population databases (rs768028811, gnomAD 0.01%). This variant has not been reported in the literature in individuals affected with HCN4-related conditions. ClinVar contains an entry for this variant (Variation ID: 538092). Invitae Evidence Modeling of protein sequence and biophysical properties (such as structural, functional, and spatial information, amino acid conservation, physicochemical variation, residue mobility, and thermodynamic stability) indicates that this missense variant is expected to disrupt HCN4 protein function with a positive predictive value of 95%. In summary, the available evidence is currently insufficient to determine the role of this variant in disease. Therefore, it has been classified as a Variant of Uncertain Significance.

Ambry Genetics
Classification: Uncertain significance for Cardiovascular phenotype. Last evaluated: 2025-07-22. Review status: criteria provided, single submitter. Criteria: Ambry Variant Classification Scheme 2023. Collection method: clinical testing. Allele origin: germline.
Comment: The p.N1202S variant (also known as c.3605A>G), located in coding exon 8 of the HCN4 gene, results from an A to G substitution at nucleotide position 3605. The asparagine at codon 1202 is replaced by serine, an amino acid with highly similar properties. This amino acid position is highly conserved in available vertebrate species. In addition, the in silico prediction for this alteration is inconclusive. Since supporting evidence is limited at this time, the clinical significance of this alteration remains unclear.

NM_005477.3(HCN4):c.3605A>G (p.Asn1202Ser)

Gene: HCN4 (hyperpolarization activated cyclic nucleotide gated potassium channel 4; minus strand). Cytogenetic location: 15q24.1.
Variant type: single nucleotide variant.
Coding change: c.3605A>G on transcript NM_005477.3 (MANE Select); coding-DNA position 3605, A replaced by G.
Protein change: p.Asn1202Ser; replaces asparagine 1202 with serine.
Molecular consequence: missense variant.
Genome position (GRCh38, 1-based): chr15:73,322,488, T>C on the plus strand (A>G on the coding strand, the complement: HCN4 is on the minus strand). VCF-style: chr15-73322488-T-C. GRCh37 (hg19) VCF-style: chr15-73614829-T-C.
Other names: short protein forms N1202S.
Identifiers: ClinVar variation 538092 (VCV000538092.10), dbSNP rs768028811, ClinGen allele CA7648790.